The following is an entry in ClinVar:

NM_004006.3(DMD):c.10728_10731inv (p.Met3576_Gln3577delinsIleCys)

Gene: DMD (dystrophin; minus strand). Cytogenetic location: Xp21.2.
Variant type: Inversion.
Coding change: c.10728_10731inv on transcript NM_004006.3 (MANE Select).
Protein change: p.Met3576_Gln3577delinsIleCys.
Molecular consequence: missense variant.
Genome position: GRCh38 VCF-style: chrX-31147341-TTGC-GCAA. GRCh37 (hg19) VCF-style: chrX-31165458-TTGC-GCAA.
Other names: c.10704_10707inv, p.Met3568_Gln3569delinsIleCys (NM_000109.4); c.10716_10719inv, p.Met3572_Gln3573delinsIleCys (NM_004009.3); c.10359_10362inv, p.Met3453_Gln3454delinsIleCys (NM_004010.3); c.6705_6708inv, p.Met2235_Gln2236delinsIleCys (NM_004011.4); c.6696_6699inv, p.Met2232_Gln2233delinsIleCys (NM_004012.4); c.3348_3351inv, p.Met1116_Gln1117delinsIleCys (NM_004013.3, NM_004021.3); c.2541_2544inv, p.Met847_Gln848delinsIleCys (NM_004014.3); c.1524_1527inv, p.Met508_Gln509delinsIleCys (NM_004015.3, NM_004016.3); and 3 more.
Identifiers: ClinVar variation 1331498 (VCV001331498.1), ClinGen allele CA2573055254.

ClinVar aggregate classification (germline): Uncertain significance (1 of 4 stars; one submission).

Submission:

Women's Health and Genetics/Laboratory Corporation of America, LabCorp
Classification: Uncertain significance. Last evaluated: 2021-12-29. Review status: criteria provided, single submitter. Criteria: LabCorp Variant Classification Summary - May 2015. Collection method: clinical testing. Allele origin: germline.
Comment: Variant summary: DMD c.10728_10731delinsTTGC (p.Met3576_Gln3577delinsIleCys) results in an in-frame deletion-insertion that is predicted to cause changes in 2 amino acids of the encoded protein. The variant was absent in 183175 control chromosomes (gnomAD). The available data on variant occurrences in the general population are insufficient to allow any conclusion about variant significance. To our knowledge, no occurrence of c.10728_10731delinsTTGC in individuals affected with Dystrophinopathies and no experimental evidence demonstrating its impact on protein function have been reported. No clinical diagnostic laboratories have submitted clinical-significance assessments for this variant to ClinVar after 2014. Based on the evidence outlined above, the variant was classified as uncertain significance.